The following is an entry in ClinVar:

NM_001142699.3(DLG2):c.-112G>A

Gene: DLG2 (discs large MAGUK scaffold protein 2; minus strand). Cytogenetic location: 11q14.1.
Variant type: single nucleotide variant.
Coding change: c.-112G>A on transcript NM_001142699.3 (MANE Select); 112 bases upstream of the start codon, G replaced by A.
Molecular consequence: 5 prime UTR variant. On other transcripts: synonymous variant (2).
Genome position (GRCh38, 1-based): chr11:85,626,606, C>T on the plus strand (G>A on the coding strand, the complement: DLG2 is on the minus strand). VCF-style: chr11-85626606-C-T. GRCh37 (hg19) VCF-style: chr11-85337650-C-T.
Other names: c.12G>A, p.Lys4= (NM_001351274.2, NM_001351275.2).
Identifiers: ClinVar variation 4987083 (VCV004987083.1).

ClinVar aggregate classification (germline): Uncertain significance (1 of 4 stars; one submission).

Conditions:
DLG2-related disorder. Also called: DLG2-related condition.

Submission:

PreventionGenetics, part of Exact Sciences
Classification: Uncertain significance for DLG2-related condition. Last evaluated: 2026-05-01. Review status: criteria provided, single submitter. Criteria: ACMG Guidelines, 2015. Collection method: clinical testing. Allele origin: germline.
Comment: The DLG2 c.12G>A variant is not predicted to result in an amino acid change (p.=). This variant is predicted to alter splicing based on available splicing prediction programs (SpliceAI, Jaganathan et al. 2019. PubMed ID: 30661751). However, the use of computer prediction programs is not equivalent to functional evidence. To our knowledge, this variant has not been reported in the literature or in a large population database (gnomAD), indicating this variant is rare. At this time, the clinical significance of this variant is uncertain due to the absence of conclusive functional and genetic evidence.